The following is an entry in ClinVar:

ClinVar aggregate classification (germline): Uncertain significance (1 of 4 stars; one submission).

Conditions:
Neuronal ceroid lipofuscinosis 7 (CLN7). Also called: MFSD8-Related Neuronal Ceroid-Lipofuscinosis. Identifiers: Orphanet 168491, Orphanet 228366, MedGen C1838571, MONDO:0012588, OMIM 610951.

Allele frequency attached by ClinVar (database versions not stated): gnomAD exomes 0.00001.
gnomAD v4.1: 3 of 1,612,872 alleles (0.00019%); highest among the groups gnomAD compares: South Asian, 0.0022%; no homozygotes.

Submission:

Labcorp Genetics (formerly Invitae), Labcorp
Classification: Uncertain significance for Neuronal ceroid lipofuscinosis 7. Last evaluated: 2020-08-14. Review status: criteria provided, single submitter. Criteria: Invitae Variant Classification Sherloc (09022015). Collection method: clinical testing. Allele origin: germline.
Comment: In summary, the available evidence is currently insufficient to determine the role of this variant in disease. Therefore, it has been classified as a Variant of Uncertain Significance. Algorithms developed to predict the effect of missense changes on protein structure and function (SIFT, PolyPhen-2, Align-GVGD) all suggest that this variant is likely to be tolerated, but these predictions have not been confirmed by published functional studies and their clinical significance is uncertain. This variant has not been reported in the literature in individuals with MFSD8-related conditions. This variant is not present in population databases (ExAC no frequency). This sequence change replaces threonine with alanine at codon 188 of the MFSD8 protein (p.Thr188Ala). The threonine residue is moderately conserved and there is a small physicochemical difference between threonine and alanine.

NM_001371596.2(MFSD8):c.562A>G (p.Thr188Ala)

Gene: MFSD8 (major facilitator superfamily domain containing 8; minus strand). Cytogenetic location: 4q28.2.
Variant type: single nucleotide variant.
Coding change: c.562A>G on transcript NM_001371596.2 (MANE Select); coding-DNA position 562, A replaced by G.
Protein change: p.Thr188Ala; replaces threonine 188 with alanine.
Molecular consequence: missense variant. On other transcripts: intron variant (5).
Genome position (GRCh38, 1-based): chr4:127,939,989, T>C on the plus strand (A>G on the coding strand, the complement: MFSD8 is on the minus strand). VCF-style: chr4-127939989-T-C. GRCh37 (hg19) VCF-style: chr4-128861144-T-C.
Other names: c.427A>G, p.Thr143Ala (NM_001371590.2); c.562A>G, p.Thr188Ala (NM_001371591.2, NM_152778.4); c.568A>G, p.Thr190Ala (NM_001371592.2); c.448A>G, p.Thr150Ala (NM_001371593.2, NM_001410766.1); c.419-1153A>G (NM_001371595.1); c.304+3763A>G (NM_001410765.1); c.439+3763A>G (NM_001363521.3); c.553+2056A>G (NM_001363520.3); and 1 more; short protein forms T143A, T150A, T188A, T190A.
Identifiers: ClinVar variation 1024497 (VCV001024497.6), dbSNP rs1739868697, ClinGen allele CA358175590.